The following is an entry in ClinVar:

ClinVar aggregate classification (germline): Uncertain significance. Review status: criteria provided, multiple submitters, no conflicts (2 of 4 stars). 3 submissions from 3 submitters: Uncertain significance (3). Last evaluated 2025-03-04.

Conditions:
Acrocallosal syndrome (ACLS). Also called: Schinzel syndrome 1; Absence of corpus callosum with unusual facial appearance, mental deficiency, duplication of the halluces and polydactyly; HALLUX DUPLICATION, POSTAXIAL POLYDACTYLY, AND ABSENCE OF CORPUS CALLOSUM. Identifiers: Orphanet 36, MedGen C0796147, MONDO:0008708, OMIM 200990.
Multiple epiphyseal dysplasia, Al-Gazali type. Also called: Macrocephaly with multiple epiphyseal dysplasia and distinctive facies. Identifiers: Orphanet 166024, MedGen C1846722, MONDO:0011778, OMIM 607131.
Hydrolethalus syndrome 2 (HLS2). Identifiers: Orphanet 2189, MedGen C3279899, MONDO:0013585, OMIM 614120.
Inborn genetic diseases. Identifiers: MedGen C0950123, MeSH D030342.

Allele frequency attached by ClinVar (database versions not stated): TOPMed 0.00002.

Submissions (3):

Ambry Genetics
Classification: Uncertain significance for Inborn genetic diseases. Last evaluated: 2025-03-04. Review status: criteria provided, single submitter. Criteria: Ambry Variant Classification Scheme 2023. Collection method: clinical testing. Allele origin: germline.

Fulgent Genetics
Classification: Uncertain significance for Acrocallosal syndrome; Multiple epiphyseal dysplasia, Al-Gazali type; Hydrolethalus syndrome 2. Last evaluated: 2024-03-20. Review status: criteria provided, single submitter. Criteria: ACMG Guidelines, 2015. Collection method: clinical testing. Allele origin: germline.

Labcorp Genetics (formerly Invitae), Labcorp
Classification: Uncertain significance for Acrocallosal syndrome. Last evaluated: 2022-03-19. Review status: criteria provided, single submitter. Criteria: Invitae Variant Classification Sherloc (09022015). Collection method: clinical testing. Allele origin: germline.
Comment: This sequence change replaces serine, which is neutral and polar, with asparagine, which is neutral and polar, at codon 742 of the KIF7 protein (p.Ser742Asn). In summary, the available evidence is currently insufficient to determine the role of this variant in disease. Therefore, it has been classified as a Variant of Uncertain Significance. Algorithms developed to predict the effect of missense changes on protein structure and function are either unavailable or do not agree on the potential impact of this missense change (SIFT: "Tolerated"; PolyPhen-2: "Possibly Damaging"; Align-GVGD: "Class C0"). This variant has not been reported in the literature in individuals affected with KIF7-related conditions. This variant is not present in population databases (gnomAD no frequency).

NM_198525.3(KIF7):c.2225G>A (p.Ser742Asn)

Gene: KIF7 (kinesin family member 7; minus strand). Cytogenetic location: 15q26.1.
Variant type: single nucleotide variant.
Coding change: c.2225G>A on transcript NM_198525.3 (MANE Select); coding-DNA position 2225, G replaced by A.
Protein change: p.Ser742Asn; replaces serine 742 with asparagine.
Molecular consequence: missense variant.
Genome position (GRCh38, 1-based): chr15:89,642,372, C>T on the plus strand (G>A on the coding strand, the complement: KIF7 is on the minus strand). VCF-style: chr15-89642372-C-T. GRCh37 (hg19) VCF-style: chr15-90185603-C-T.
Other names: c.2225G>A (NM_198525.2); short protein forms S742N.
Identifiers: ClinVar variation 1413539 (VCV001413539.10), dbSNP rs1440715352, ClinGen allele CA393762458.